The following is an entry in ClinVar:

ClinVar aggregate classification (germline): Uncertain significance (1 of 4 stars; one submission).

Conditions:
RASopathy. Also called: rasopathies; Noonan spectrum disorder. Identifiers: Orphanet 536391, MedGen C5555857, MONDO:0021060.

Submission:

GeneDx
Classification: Uncertain significance for Rasopathy. Last evaluated: 2013-08-07. Review status: criteria provided, single submitter. Criteria: GeneDx Variant Classification (06012015). Collection method: clinical testing. Allele origin: germline. Affected: yes.
Comment: This variant is denoted c.71delC at the cDNA level or at the protein level as p.Pro24LeufsX79. The normal sequence with the base that is deleted in braces is: TCCC{delC}TACC. The c.71delC single nucleotide deletion has not been published as a mutation, nor has it been reported as a benign polymorphism to our knowledge. The c.71delC mutation in the MAP2K2 gene causes a frameshift starting with codon Proline 24, changes this amino acid to a Leucine residue, and creates a premature Stop codon at position 79 of the new reading frame, denoted p.Pro24LeufsX79. This variant is predicted to cause loss of normal protein function either through protein truncation or nonsense-mediated mRNA decay. In MAP2K2, no truncating or other loss-of function mutations have been reported so far in association with a Noonan spectrum disorder. The variant is found in NOONAN panel(s).

NM_030662.4(MAP2K2):c.71del (p.Pro24fs)

Genes: MAP2K2 (mitogen-activated protein kinase kinase 2; minus strand), LOC130063193 (ATAC-STARR-seq lymphoblastoid silent region 9881; plus strand). Cytogenetic location: 19p13.3.
Variant type: Deletion.
Coding change: c.71del on transcript NM_030662.4 (MANE Select); coding-DNA position 71, one base deleted (C; older notation c.71delC).
Protein change: p.Pro24fs; shifts the reading frame from proline 24.
Molecular consequence: frameshift variant.
Genome position (GRCh38, 1-based): chr19:4,123,805, G deleted on the plus strand (C on the coding strand, the reverse complement: MAP2K2 is on the minus strand); the first of 4 consecutive G bases (chr19:4,123,805-4,123,808); deleting any one gives the same sequence. VCF-style (leftmost placement, unchanged base first): chr19-4123804-AG-A. GRCh37 (hg19) VCF-style: chr19-4123801-AG-A.
Other names: c.71delC (NM_030662.3); short protein forms P24fs.
Identifiers: ClinVar variation 180916 (VCV000180916.1), dbSNP rs730880525, ClinGen allele CA296191.